The following is an entry in ClinVar:

ClinVar aggregate classification (germline): Benign/Likely benign. Review status: criteria provided, single submitter (1 of 4 stars). 2 submissions from 1 submitter: Benign (1); Likely benign (1). Last evaluated 2018-01-13.

Conditions:
EAST syndrome (SESAMES). Also called: SEIZURES, SENSORINEURAL DEAFNESS, ATAXIA, IMPAIRED INTELLECTUAL DEVELOPMENT, AND ELECTROLYTE IMBALANCE. Identifiers: Orphanet 199343, MedGen C2748572, MONDO:0013005, OMIM 612780.
Autosomal recessive nonsyndromic hearing loss 4 (DFNB4). Also called: Deafness, autosomal recessive 4; NEUROSENSORY NONSYNDROMIC RECESSIVE DEAFNESS 4; FOXI1-Related Pendred Syndrome; KCNJ10-Related Pendred Syndrome; DEAFNESS, AUTOSOMAL RECESSIVE 4, WITH ENLARGED VESTIBULAR AQUEDUCT, DIGENIC; Nonsyndromic enlarged vestibular aqueduct (NSEVA). Identifiers: Orphanet 90636, MedGen C3538946, MONDO:0010933, OMIM 600791.

Allele frequency attached by ClinVar (database versions not stated): 1000 Genomes Project 0.01418; 1000 Genomes Project 30x 0.01483; gnomAD 0.01585; TOPMed 0.01701.

Submissions (2):

Illumina Laboratory Services, Illumina
Classification: Benign for EAST syndrome. Last evaluated: 2018-01-13. Review status: criteria provided, single submitter. Criteria: ICSL Variant Classification Criteria 13 December 2019. Collection method: clinical testing. Allele origin: germline.
Comment: This variant was observed in the ICSL laboratory as part of a predisposition screen in an ostensibly healthy population. It had not been previously curated by ICSL or reported in the Human Gene Mutation Database (HGMD: prior to June 1st, 2018), and was therefore a candidate for classification through an automated scoring system. Utilizing variant allele frequency, disease prevalence and penetrance estimates, and inheritance mode, an automated score was calculated to assess if this variant is too frequent to cause the disease. Based on the score and internal cut-off values, a variant classified as benign is not then subjected to further curation. The score for this variant resulted in a classification of benign for this disease.

Illumina Laboratory Services, Illumina
Classification: Likely benign for Autosomal recessive nonsyndromic hearing loss 4. Last evaluated: 2018-01-13. Review status: criteria provided, single submitter. Criteria: ICSL Variant Classification Criteria 13 December 2019. Collection method: clinical testing. Allele origin: germline.
Comment: This variant was observed in the ICSL laboratory as part of a predisposition screen in an ostensibly healthy population. It had not been previously curated by ICSL or reported in the Human Gene Mutation Database (HGMD: prior to June 1st, 2018), and was therefore a candidate for classification through an automated scoring system. Utilizing variant allele frequency, disease prevalence and penetrance estimates, and inheritance mode, an automated score was calculated to assess if this variant is too frequent to cause the disease. Based on the score and internal cut-off values, a variant classified as likely benign is not then subjected to further curation. The score for this variant resulted in a classification of likely benign for this disease.

NM_002241.5(KCNJ10):c.*1498T>G

Gene: KCNJ10 (potassium inwardly rectifying channel subfamily J member 10; minus strand). Cytogenetic location: 1q23.2.
Variant type: single nucleotide variant.
Coding change: c.*1498T>G on transcript NM_002241.5 (MANE Select); 1498 bases downstream of the stop codon, T replaced by G.
Molecular consequence: 3 prime UTR variant.
Genome position (GRCh38, 1-based): chr1:160,039,895, A>C on the plus strand (T>G on the coding strand, the complement: KCNJ10 is on the minus strand). VCF-style: chr1-160039895-A-C. GRCh37 (hg19) VCF-style: chr1-160009685-A-C.
Identifiers: ClinVar variation 876412 (VCV000876412.4), dbSNP rs75316108, ClinGen allele CA31468829.